The following is an entry in ClinVar:

ClinVar aggregate classification (germline): Uncertain significance (1 of 4 stars; one submission).

Conditions:
Hypertrophic cardiomyopathy 26. Also called: Cardiomyopathy, familial hypertrophic, 26. Identifiers: Orphanet 75249, MedGen C4310749, MONDO:0014883, OMIM 617047.
Distal myopathy with posterior leg and anterior hand involvement. Also called: WILLIAMS DISTAL MYOPATHY. Identifiers: Orphanet 63273, MedGen C3279722, MONDO:0013550, OMIM 614065.
Myofibrillar myopathy 5. Also called: FILAMINOPATHY, AUTOSOMAL DOMINANT; Filaminopathy (type). Identifiers: Orphanet 171445, MedGen C1836050, MONDO:0012289, OMIM 609524.

gnomAD v4.1: 7 of 1,613,988 alleles (0.00043%); highest among the groups gnomAD compares: South Asian, 0.0077%; no homozygotes.

Submission:

Labcorp Genetics (formerly Invitae), Labcorp
Classification: Uncertain significance for Distal myopathy with posterior leg and anterior hand involvement; Myofibrillar myopathy 5; Hypertrophic cardiomyopathy 26. Last evaluated: 2022-12-27. Review status: criteria provided, single submitter. Criteria: Invitae Variant Classification Sherloc (09022015). Collection method: clinical testing. Allele origin: germline.
Comment: In summary, the available evidence is currently insufficient to determine the role of this variant in disease. Therefore, it has been classified as a Variant of Uncertain Significance. Advanced modeling of protein sequence and biophysical properties (such as structural, functional, and spatial information, amino acid conservation, physicochemical variation, residue mobility, and thermodynamic stability) has been performed at Invitae for this missense variant, however the output from this modeling did not meet the statistical confidence thresholds required to predict the impact of this variant on FLNC protein function. ClinVar contains an entry for this variant (Variation ID: 1011717). This variant has not been reported in the literature in individuals affected with FLNC-related conditions. This variant is present in population databases (rs375013141, gnomAD 0.003%). This sequence change replaces threonine, which is neutral and polar, with lysine, which is basic and polar, at codon 1124 of the FLNC protein (p.Thr1124Lys).

NM_001458.5(FLNC):c.3371C>A (p.Thr1124Lys)

Gene: FLNC (filamin C; plus strand). Cytogenetic location: 7q32.1.
Variant type: single nucleotide variant.
Coding change: c.3371C>A on transcript NM_001458.5 (MANE Select); coding-DNA position 3371, C replaced by A.
Protein change: p.Thr1124Lys; replaces threonine 1124 with lysine.
Molecular consequence: missense variant.
Genome position (GRCh38, 1-based): chr7:128,844,836, C>A. VCF-style: chr7-128844836-C-A. GRCh37 (hg19) VCF-style: chr7-128484890-C-A.
Other names: c.3371C>A, p.Thr1124Lys (NM_001127487.2); short protein forms T1124K.
Identifiers: ClinVar variation 1011717 (VCV001011717.9), dbSNP rs375013141, ClinGen allele CA4475025.